The following is an entry in ClinVar:

ClinVar aggregate classification (germline): Likely pathogenic (1 of 4 stars; one submission).

Conditions:
Hereditary factor VIII deficiency disease (HEMA). Also called: HEMOPHILIA, CLASSIC; Hemophilia A, congenital; HEM A; Factor 8 deficiency, congenital; AUTOSOMAL HEMOPHILIA A; Hemophilia A. Identifiers: Orphanet 98878, MedGen C0019069, MONDO:0010602, OMIM 306700.

Submission:

Human Genetic Diversity Lab, University of the Republic of Uruguay
Classification: Likely pathogenic for Hereditary factor VIII deficiency disease. Last evaluated: 2026-02-02. Review status: criteria provided, single submitter. Criteria: ACMG Guidelines, 2015. Collection method: research. Allele origin: germline. Inheritance: X-linked inheritance. Affected: yes. Observed: 1 variant allele, 1 hemizygote.
Comment: The Val2092Glu variant in F8 has not been reported in public hemophilia databases such as EAHAD and CHAMP variation list, and it is absent from large population databases; it was not found in ExAC or 1000G PM2 (Moderate). The variant is a missense change in exon 22, affecting the C1 domain of the coagulation factor VIII gene. ClinGen classifies it as PM1 (Moderate). It resides in the C1 functional domain, which is enriched with pathogenic variants linked to hemophilia A. PP3 (Supporting): Multiple in silico prediction tools indicate a damaging effect on protein structure and/or function. The amino acid substitution is a non-conservative change from a hydrophobic residue (valine) to a negatively charged residue (glutamic acid). PP4 (Supporting): The patient exhibits a highly specific phenotype (severe hemophilia A) consistent with a well-established gene–disease relationship, and the variant is present in the expected hemizygous state. In conclusion, the variant meets our criteria for classifying it as Likely Pathogenic based on segregation studies, absence from control groups, and functional evidence.

Literature cited by the submitters: PubMed 10910913; DOI 10.1056/NEJMsr1406261.

NM_000132.4(F8):c.6275T>A (p.Val2092Glu)

Gene: F8 (coagulation factor VIII; minus strand). Cytogenetic location: Xq28.
Variant type: single nucleotide variant.
Coding change: c.6275T>A on transcript NM_000132.4 (MANE Select); coding-DNA position 6275, T replaced by A.
Protein change: p.Val2092Glu; replaces valine 2092 with glutamic acid.
Molecular consequence: missense variant.
Genome position (GRCh38, 1-based): chrX:154,896,231, A>T on the plus strand (T>A on the coding strand, the complement: F8 is on the minus strand). VCF-style: chrX-154896231-A-T. GRCh37 (hg19) VCF-style: chrX-154124506-A-T.
Other names: short protein forms V2092E.
Identifiers: ClinVar variation 4755412 (VCV004755412.1).